The following is an entry in ClinVar:

ClinVar aggregate classification (germline): Conflicting classifications of pathogenicity. Review status: criteria provided, conflicting classifications (1 of 4 stars). 3 submissions from 3 submitters: Uncertain significance (2); Likely benign (1). Last evaluated 2022-07-19.

Conditions:
Inborn genetic diseases. Identifiers: MedGen C0950123, MeSH D030342.
Charcot-Marie-Tooth disease type 4. Also called: Charcot-Marie-Tooth disease, type IV; Charcot-Marie-Tooth, Type 4. Identifiers: Orphanet 64749, MedGen C4082197, MONDO:0018995.

Allele frequency attached by ClinVar (database versions not stated): gnomAD 0.00001; ExAC 0.00002; gnomAD exomes 0.00002 and 0.00003; TOPMed 0.00004.
gnomAD v4.1: 45 of 1,613,826 alleles (0.0028%); highest among the groups gnomAD compares: Admixed American, 0.0067%; no homozygotes.

Submissions (3):

Labcorp Genetics (formerly Invitae), Labcorp
Classification: Uncertain significance for Charcot-Marie-Tooth disease type 4. Last evaluated: 2022-07-19. Review status: criteria provided, single submitter. Criteria: Invitae Variant Classification Sherloc (09022015). Collection method: clinical testing. Allele origin: germline.
Comment: This sequence change replaces arginine, which is basic and polar, with histidine, which is basic and polar, at codon 440 of the SH3TC2 protein (p.Arg440His). This variant is present in population databases (rs755748579, gnomAD 0.004%). This variant has not been reported in the literature in individuals affected with SH3TC2-related conditions. ClinVar contains an entry for this variant (Variation ID: 448363). Advanced modeling of protein sequence and biophysical properties (such as structural, functional, and spatial information, amino acid conservation, physicochemical variation, residue mobility, and thermodynamic stability) performed at Invitae indicates that this missense variant is not expected to disrupt SH3TC2 protein function. In summary, the available evidence is currently insufficient to determine the role of this variant in disease. Therefore, it has been classified as a Variant of Uncertain Significance.

Ambry Genetics
Classification: Likely benign for Inborn genetic diseases. Last evaluated: 2022-06-09. Review status: criteria provided, single submitter. Criteria: Ambry Variant Classification Scheme 2023. Collection method: clinical testing. Allele origin: germline.

Athena Diagnostics
Classification: Uncertain significance. Last evaluated: 2016-11-01. Review status: criteria provided, single submitter. Criteria: Athena Diagnostics Criteria. Collection method: clinical testing. Allele origin: germline.

NM_024577.4(SH3TC2):c.1319G>A (p.Arg440His)

Gene: SH3TC2 (SH3 domain and tetratricopeptide repeats 2; minus strand). Cytogenetic location: 5q32.
Variant type: single nucleotide variant.
Coding change: c.1319G>A on transcript NM_024577.4 (MANE Select); coding-DNA position 1319, G replaced by A.
Protein change: p.Arg440His; replaces arginine 440 with histidine.
Molecular consequence: missense variant.
Genome position (GRCh38, 1-based): chr5:149,028,413, C>T on the plus strand (G>A on the coding strand, the complement: SH3TC2 is on the minus strand). VCF-style: chr5-149028413-C-T. GRCh37 (hg19) VCF-style: chr5-148407976-C-T.
Other names: short protein forms R440H.
Identifiers: ClinVar variation 448363 (VCV000448363.8), dbSNP rs755748579, ClinGen allele CA3499200.